The following is an entry in ClinVar:

NM_007294.4(BRCA1):c.-19-4_-19-3dup

Gene: BRCA1 (BRCA1 DNA repair associated; minus strand). Cytogenetic location: 17q21.31.
Variant type: Duplication.
Coding change: c.-19-4_-19-3dup on transcript NM_007294.4 (MANE Select); 4 bases into the intron before 19 bases upstream of the start codon through 3 bases into the intron before 19 bases upstream of the start codon, 2 bases duplicated (AA; older notation c.-19-4_-19-3dupAA).
Molecular consequence: splice acceptor variant.
Genome position (GRCh38, 1-based): chr17:43,124,117-43,124,118, TT duplicated on the plus strand (AA on the coding strand, the reverse complement: BRCA1 is on the minus strand); duplicating any 2 consecutive bases within chr17:43,124,117-43,124,119 gives the same sequence; the c. name uses the placement nearest the transcript's 3' end. VCF-style (leftmost placement, unchanged base first): chr17-43124116-C-CTT. GRCh37 (hg19) VCF-style: chr17-41276133-C-CTT.
Other names: c.-106-4_-106-3dup (NM_007297.4); c.-19-4_-19-3dup (NM_007299.4, NM_007300.4).
Identifiers: ClinVar variation 923331 (VCV000923331.3), dbSNP rs2055752260, ClinGen allele CA1139665592.

ClinVar aggregate classification (germline): Uncertain significance (1 of 4 stars; one submission).

Conditions:
Hereditary cancer-predisposing syndrome. Also called: Neoplastic Syndromes, Hereditary; Tumor predisposition; Hereditary Cancer Syndrome; Hereditary neoplastic syndrome. Identifiers: Orphanet 140162, MedGen C0027672, MeSH D009386, MONDO:0015356.

Submission:

Color Diagnostics, LLC DBA Color Health
Classification: Uncertain significance for Hereditary cancer-predisposing syndrome. Last evaluated: 2019-12-09. Review status: criteria provided, single submitter. Criteria: ACMG Guidelines, 2015. Collection method: clinical testing. Allele origin: germline.
Comment: This variant causes the insertion of two AA nucleotides between the -2 and -1 positions in intron 1 of the BRCA1 gene. To our knowledge, functional studies have not been performed for this variant. This variant has not been reported in individuals affected with hereditary cancer in the literature. This variant has not been identified in the general population by the Genome Aggregation Database (gnomAD). The available evidence is insufficient to determine the role of this variant in disease conclusively. Therefore, this variant is classified as a Variant of Uncertain Significance.